The following is an entry in ClinVar:

NM_000051.4(ATM):c.7447T>C (p.Trp2483Arg)

Genes: ATM (ATM serine/threonine kinase; plus strand), C11orf65 (chromosome 11 open reading frame 65; minus strand). Cytogenetic location: 11q22.3.
Variant type: single nucleotide variant.
Coding change: c.7447T>C on transcript NM_000051.4 (MANE Select); coding-DNA position 7447, T replaced by C.
Protein change: p.Trp2483Arg; replaces tryptophan 2483 with arginine.
Molecular consequence: missense variant. On other transcripts: intron variant (2).
Genome position (GRCh38, 1-based): chr11:108,330,353, T>C. VCF-style: chr11-108330353-T-C. GRCh37 (hg19) VCF-style: chr11-108201080-T-C.
Other names: c.7447T>C, p.Trp2483Arg (NM_001351834.2); c.641-21282A>G (NM_001330368.2); c.*38+4867A>G (NM_001351110.2); short protein forms W2483R.
Identifiers: ClinVar variation 827051 (VCV000827051.13), dbSNP rs1591161080, ClinGen allele CA382560330.

ClinVar aggregate classification (germline): Uncertain significance. Review status: criteria provided, multiple submitters, no conflicts (2 of 4 stars). 2 submissions from 2 submitters: Uncertain significance (2). Last evaluated 2024-09-06.

Conditions:
Hereditary cancer-predisposing syndrome. Also called: Tumor predisposition; Neoplastic Syndromes, Hereditary; Hereditary Cancer Syndrome; Hereditary neoplastic syndrome. Identifiers: Orphanet 140162, MedGen C0027672, MeSH D009386, MONDO:0015356.
Ataxia-telangiectasia syndrome (AT). Also called: ATAXIA-TELANGIECTASIA, COMPLEMENTATION GROUP A; ATAXIA-TELANGIECTASIA, FRESNO VARIANT; Ataxia-telangiectasia; Ataxia-telangiectasia, complementation group D; AT, COMPLEMENTATION GROUP C; Ataxia-telangiectasia, complementation group E. Identifiers: Orphanet 100, MedGen C0004135, MONDO:0008840, OMIM 208900.

Submissions (2):

Ambry Genetics
Classification: Uncertain significance for Hereditary cancer-predisposing syndrome. Last evaluated: 2024-09-06. Review status: criteria provided, single submitter. Criteria: Ambry Variant Classification Scheme 2023. Collection method: clinical testing. Allele origin: germline.
Comment: The p.W2483R variant (also known as c.7447T>C), located in coding exon 49 of the ATM gene, results from a T to C substitution at nucleotide position 7447. The tryptophan at codon 2483 is replaced by arginine, an amino acid with dissimilar properties. This amino acid position is highly conserved in available vertebrate species. In addition, the in silico prediction for this alteration is inconclusive. Based on the available evidence, the clinical significance of this variant remains unclear.

Labcorp Genetics (formerly Invitae), Labcorp
Classification: Uncertain significance for Ataxia-telangiectasia syndrome. Last evaluated: 2021-04-23. Review status: criteria provided, single submitter. Criteria: Invitae Variant Classification Sherloc (09022015). Collection method: clinical testing. Allele origin: germline.
Comment: In summary, the available evidence is currently insufficient to determine the role of this variant in disease. Therefore, it has been classified as a Variant of Uncertain Significance. Advanced modeling of protein sequence and biophysical properties (such as structural, functional, and spatial information, amino acid conservation, physicochemical variation, residue mobility, and thermodynamic stability) performed at Invitae indicates that this missense variant is not expected to disrupt ATM protein function. This variant has not been reported in the literature in individuals with ATM-related conditions. ClinVar contains an entry for this variant (Variation ID: 827051). This variant is not present in population databases (ExAC no frequency). This sequence change replaces tryptophan with arginine at codon 2483 of the ATM protein (p.Trp2483Arg). The tryptophan residue is moderately conserved and there is a moderate physicochemical difference between tryptophan and arginine.